The following is an entry in ClinVar:

ClinVar aggregate classification (germline): Uncertain significance (1 of 4 stars; one submission).

Submission:

Labcorp Genetics (formerly Invitae), Labcorp
Classification: Uncertain significance. Last evaluated: 2021-03-26. Review status: criteria provided, single submitter. Criteria: Invitae Variant Classification Sherloc (09022015). Collection method: clinical testing. Allele origin: germline.
Comment: This sequence change replaces arginine with serine at codon 295 of the MSH3 protein (p.Arg295Ser). The arginine residue is highly conserved and there is a moderate physicochemical difference between arginine and serine. This variant is not present in population databases (ExAC no frequency). This variant has not been reported in the literature in individuals with MSH3-related conditions. Algorithms developed to predict the effect of missense changes on protein structure and function are either unavailable or do not agree on the potential impact of this missense change (SIFT: "Deleterious"; PolyPhen-2: "Probably Damaging"; Align-GVGD: "Class C15"). Algorithms developed to predict the effect of sequence changes on RNA splicing suggest that this variant may create or strengthen a splice site, but this prediction has not been confirmed by published transcriptional studies. In summary, the available evidence is currently insufficient to determine the role of this variant in disease. Therefore, it has been classified as a Variant of Uncertain Significance.

NM_002439.5(MSH3):c.883C>A (p.Arg295Ser)

Gene: MSH3 (mutS homolog 3; plus strand). Cytogenetic location: 5q14.1.
Variant type: single nucleotide variant.
Coding change: c.883C>A on transcript NM_002439.5 (MANE Select); coding-DNA position 883, C replaced by A.
Protein change: p.Arg295Ser; replaces arginine 295 with serine.
Molecular consequence: missense variant.
Genome position (GRCh38, 1-based): chr5:80,672,334, C>A. VCF-style: chr5-80672334-C-A. GRCh37 (hg19) VCF-style: chr5-79968153-C-A.
Other names: short protein forms R295S.
Identifiers: ClinVar variation 1417268 (VCV001417268.8), dbSNP rs748004338, ClinGen allele CA360267247.
Genomic context (GRCh38, chr5:80,672,334, plus strand): 5'-CATTTAGATCACAACTTTATGACAGCAAGTATACCTACTCACAGACTGTTTGTTCATGTA[C>A]GCCGCCTGGTGGCAAAAGGATATAAGGTCAGCTTTGGCTTTAACTTGTGGGGAAAGGAAA-3'
Protein context (NP_002430.3, residues 285-305): IPTHRLFVHV[Arg295Ser]RLVAKGYKVG